The following is an entry in ClinVar:

ClinVar aggregate classification (germline): Uncertain significance (1 of 4 stars; one submission).

Allele frequency attached by ClinVar (database versions not stated): TOPMed below 0.00001.

Submission:

Labcorp Genetics (formerly Invitae), Labcorp
Classification: Uncertain significance. Last evaluated: 2021-04-23. Review status: criteria provided, single submitter. Criteria: Invitae Variant Classification Sherloc (09022015). Collection method: clinical testing. Allele origin: germline.
Comment: This sequence change replaces glutamic acid with glutamine at codon 538 of the TAOK2 protein (p.Glu538Gln). The glutamic acid residue is highly conserved and there is a small physicochemical difference between glutamic acid and glutamine. In summary, the available evidence is currently insufficient to determine the role of this variant in disease. Therefore, it has been classified as a Variant of Uncertain Significance. Algorithms developed to predict the effect of missense changes on protein structure and function are either unavailable or do not agree on the potential impact of this missense change (SIFT: "Tolerated"; PolyPhen-2: "Probably Damaging"; Align-GVGD: "Class C0"). This variant has not been reported in the literature in individuals with TAOK2-related conditions. This variant is not present in population databases (ExAC no frequency).

NM_016151.4(TAOK2):c.1612G>C (p.Glu538Gln)

Gene: TAOK2 (TAO kinase 2; plus strand). Cytogenetic location: 16p11.2.
Variant type: single nucleotide variant.
Coding change: c.1612G>C on transcript NM_016151.4 (MANE Select); coding-DNA position 1612, G replaced by C.
Protein change: p.Glu538Gln; replaces glutamic acid 538 with glutamine.
Molecular consequence: missense variant.
Genome position (GRCh38, 1-based): chr16:29,985,402, G>C. VCF-style: chr16-29985402-G-C. GRCh37 (hg19) VCF-style: chr16-29996723-G-C.
Other names: c.1612G>C, p.Glu538Gln (NM_001252043.2, NM_004783.4); short protein forms E538Q.
Identifiers: ClinVar variation 1347644 (VCV001347644.8), dbSNP rs1434403377, ClinGen allele CA395485777.